The following is an entry in ClinVar:

ClinVar aggregate classification (germline): Pathogenic (1 of 4 stars; one submission).

Conditions:
Hypoplastic enamel-onycholysis-hypohidrosis syndrome (TNS). Also called: Tooth-and-Nail Syndrome; NAIL DYSPLASIA WITH HYPODONTIA; ECTODERMAL DYSPLASIA 3, WITKOP TYPE; ECTODERMAL DYSPLASIA 3, TOOTH/NAIL TYPE; WITKOP SYNDROME. Identifiers: Orphanet 2228, MedGen C0406735, MONDO:0008582, OMIM 189500.

Submission:

Labcorp Genetics (formerly Invitae), Labcorp
Classification: Pathogenic for Hypoplastic enamel-onycholysis-hypohidrosis syndrome. Last evaluated: 2020-11-20. Review status: criteria provided, single submitter. Criteria: Invitae Variant Classification Sherloc (09022015). Collection method: clinical testing. Allele origin: germline.
Comment: This sequence change creates a premature translational stop signal (p.Gln94*) in the MSX1 gene. It is expected to result in an absent or disrupted protein product. Loss-of-function variants in MSX1 are known to be pathogenic (PMID: 9742121, 10742093). The frequency data for this variant in the population databases is considered unreliable, as metrics indicate insufficient coverage at this position in the ExAC database. This variant has not been reported in the literature in individuals with MSX1-related conditions. For these reasons, this variant has been classified as Pathogenic.

Literature cited by the submitters: PubMed 9742121; PubMed 10742093.

NM_002448.3(MSX1):c.280C>T (p.Gln94Ter)

Genes: MSX1 (msh homeobox 1; plus strand), LOC129992137 (ATAC-STARR-seq lymphoblastoid silent region 15219; plus strand). Cytogenetic location: 4p16.2.
Variant type: single nucleotide variant.
Coding change: c.280C>T on transcript NM_002448.3 (MANE Select); coding-DNA position 280, C replaced by T.
Protein change: p.Gln94Ter; replaces glutamine 94 with a stop codon.
Molecular consequence: nonsense.
Genome position (GRCh38, 1-based): chr4:4,860,179, C>T. VCF-style: chr4-4860179-C-T. GRCh37 (hg19) VCF-style: chr4-4861906-C-T.
Other names: short protein forms Q94*.
Identifiers: ClinVar variation 1438990 (VCV001438990.6), dbSNP rs2108777701, ClinGen allele CA356137575.